The following is an entry in ClinVar:

ClinVar aggregate classification (germline): Likely benign (0 of 4 stars; one submission).

Conditions:
ASTN2-related disorder. Also called: ASTN2-related condition.

Allele frequency attached by ClinVar (database versions not stated): ESP Exome Variant Server 0.00038; 1000 Genomes Project 0.00020; 1000 Genomes Project 30x 0.00016.
gnomAD v4.1: 65 of 1,614,130 alleles (0.004%); highest among the groups gnomAD compares: African/African-American, 0.075%; no homozygotes.

Submission:

PreventionGenetics, part of Exact Sciences
Classification: Likely benign for ASTN2-related condition. Last evaluated: 2019-09-18. Review status: no assertion criteria provided. Collection method: clinical testing. Allele origin: germline.
Comment: This variant is classified as likely benign based on ACMG/AMP sequence variant interpretation guidelines (Richards et al. 2015 PMID: 25741868, with internal and published modifications).

NM_001365068.1(ASTN2):c.2460G>C (p.Pro820=)

Gene: ASTN2 (astrotactin 2; minus strand). Cytogenetic location: 9q33.1.
Variant type: single nucleotide variant.
Coding change: c.2460G>C on transcript NM_001365068.1 (MANE Select); coding-DNA position 2460, G replaced by C.
Protein change: p.Pro820=; no amino-acid change (proline 820 retained).
Molecular consequence: synonymous variant.
Genome position (GRCh38, 1-based): chr9:116,733,460, C>G on the plus strand (G>C on the coding strand, the complement: ASTN2 is on the minus strand). VCF-style: chr9-116733460-C-G. GRCh37 (hg19) VCF-style: chr9-119495739-C-G.
Other names: c.2448G>C, p.Pro816= (NM_001365069.1); c.2307G>C, p.Pro769= (NM_014010.5).
Identifiers: ClinVar variation 3040520 (VCV003040520.2), dbSNP rs143522238, ClinGen allele CA5211358.